The following is an entry in ClinVar:

NM_080425.4(GNAS):c.1146C>T (p.Ala382=)

Gene: GNAS (GNAS complex locus; plus strand). Cytogenetic location: 20q13.32.
Variant type: single nucleotide variant.
Coding change: c.1146C>T on transcript NM_080425.4 (MANE Plus Clinical); coding-DNA position 1146, C replaced by T.
Protein change: p.Ala382=; no amino-acid change (alanine 382 retained).
Molecular consequence: synonymous variant. On other transcripts: intron variant (3), missense variant (2).
Genome position (GRCh38, 1-based): chr20:58,854,411, C>T. VCF-style: chr20-58854411-C-T. GRCh37 (hg19) VCF-style: chr20-57429466-C-T.
Other names: c.1146C>T, p.Ala382= (NM_001410913.1); c.*42+13525C>T (NM_016592.5); c.43+13525C>T (NM_001410912.1); c.-39+12536C>T (NM_001309861.2); c.959C>T, p.Pro320Leu (NM_001077490.3, NM_001309883.1); c.959C>T (NM_001077490.2); short protein forms P320L.
Identifiers: ClinVar variation 1327849 (VCV001327849.6), dbSNP rs1448481528, ClinGen allele CA409459134.

ClinVar aggregate classification (germline): Uncertain significance. Review status: criteria provided, multiple submitters, no conflicts (2 of 4 stars). 3 submissions from 3 submitters: Uncertain significance (3). Last evaluated 2026-01-30.

Conditions:
Pseudohypoparathyroidism type 1C (PHP1C). Also called: Pseudohypoparathyroidism Ic (PHP-Ic); PSEUDOHYPOPARATHYROIDISM, TYPE IC; PHP IC. Identifiers: Orphanet 79444, MedGen C2932716, MONDO:0012911, OMIM 612462.
Progressive osseous heteroplasia (POH). Also called: Osseus Heteroplasia, Progressive; ECTOPIC OSSIFICATION, FAMILIAL; Progressive Osseus Heteroplasia (POH); Osteoma cutis. Identifiers: Orphanet 2762, MedGen C0334041, MONDO:0008153, OMIM 166350, HP:0025027.
ACTH-independent macronodular adrenal hyperplasia 1 (AIMAH1). Also called: CORTICOTROPIN-INDEPENDENT MACRONODULAR ADRENAL HYPERPLASIA; ACTH-INDEPENDENT MACRONODULAR ADRENOCORTICAL HYPERPLASIA; ACTH-independent macronodular adrenal hyperplasia, somatic; CUSHING SYNDROME, ADRENAL, DUE TO AIMAH; ADRENOCORTICOTROPIC HORMONE-INDEPENDENT MACRONODULAR ADRENAL HYPERPLASIA. Identifiers: MedGen C1857451, MONDO:0020735, OMIM 219080.
McCune-Albright syndrome (MAS). Also called: ALBRIGHT SYNDROME; McCune-Albright syndrome, somatic, mosaic; Albright's Syndrome; Albright's disease; Fibrous Dysplasia / McCune-Albright Syndrome. Identifiers: Orphanet 562, MedGen C0242292, MONDO:0018919, OMIM 174800.
Pseudohypoparathyroidism type 1B (PHP1B). Also called: PHP IB; Pseudohypoparathyroidism Ib (PHP-Ib); Pseudohypoparathyroidism Type IB. Identifiers: Orphanet 94089, MedGen C1864100, MONDO:0011301, OMIM 603233.
Pituitary adenoma 3, multiple types. Also called: PITUITARY ADENOMA 3, ACTH-SECRETING, SOMATIC; PITUITARY ADENOMA 3, GROWTH HORMONE-SECRETING, SOMATIC. Identifiers: MedGen C4540135, MONDO:0054665, OMIM 617686.
Pseudohypoparathyroidism type I A (PHP1A). Also called: Pseudohypoparathyroidism Type IA; ALBRIGHT HEREDITARY OSTEODYSTROPHY WITH MULTIPLE HORMONE RESISTANCE; PHP IA; Pseudohypoparathyroidism type 1A; Pseudohypoparathyroidism Ia (PHP-Ia). Identifiers: Orphanet 79443, MedGen C3494506, MONDO:0007078, OMIM 103580.
Pseudopseudohypoparathyroidism (PPHP). Also called: Pseudopseudohypoparathyroidism (PPHP); ALBRIGHT HEREDITARY OSTEODYSTROPHY WITHOUT MULTIPLE HORMONE RESISTANCE. Identifiers: Orphanet 79445, MedGen C0033835, MONDO:0012912, OMIM 612463.
GNAS-related disorder. Identifiers: MedGen CN380105.

gnomAD v4.1: 15 of 1,566,858 alleles (0.00096%); highest among the groups gnomAD compares: South Asian, 0.012%; no homozygotes.

Submissions (3):

PreventionGenetics, part of Exact Sciences
Classification: Uncertain significance for GNAS-related condition. Last evaluated: 2026-01-30. Review status: criteria provided, single submitter. Criteria: ACMG Guidelines, 2015. Collection method: clinical testing. Allele origin: germline.
Comment: The GNAS c.959C>T variant is predicted to result in the amino acid substitution p.Pro320Leu. To our knowledge, this variant has not been reported in the literature. This variant is reported in 0.012% of alleles in individuals of South Asian descent in gnomAD. At this time, the clinical significance of this variant is uncertain due to the absence of conclusive functional and genetic evidence.

GeneDx
Classification: Uncertain significance. Last evaluated: 2024-11-20. Review status: criteria provided, single submitter. Criteria: GeneDx Variant Classification Process June 2021. Collection method: clinical testing. Allele origin: germline. Affected: yes.
Comment: Has not been previously published as pathogenic or benign to our knowledge; In silico analysis indicates that this missense variant does not alter protein structure/function; Reported using an alternate transcript of the gene

Department of Pathology and Laboratory Medicine, Sinai Health System
Classification: Uncertain significance for Pseudohypoparathyroidism type I A; Progressive osseous heteroplasia; McCune-Albright syndrome; ACTH-independent macronodular adrenal hyperplasia 1; Pseudohypoparathyroidism type 1B; Pseudohypoparathyroidism type 1C; Pseudopseudohypoparathyroidism; Pituitary adenoma 3, multiple types. Last evaluated: 2023-10-15. Review status: criteria provided, single submitter. Criteria: ACMG Guidelines, 2015. Collection method: research. Allele origin: germline.